The following is an entry in ClinVar:

ClinVar aggregate classification (germline): Uncertain significance. Review status: criteria provided, multiple submitters, no conflicts (2 of 4 stars). 2 submissions from 2 submitters: Uncertain significance (2). Last evaluated 2023-05-18.

Allele frequency attached by ClinVar (database versions not stated): TOPMed 0.00001; ExAC 0.00002; gnomAD 0.00002; gnomAD exomes 0.00002.
gnomAD v4.1: 33 of 1,600,978 alleles (0.0021%); highest among the groups gnomAD compares: East Asian, 0.022%; no homozygotes.

Submissions (2):

GeneDx
Classification: Uncertain significance. Last evaluated: 2023-05-18. Review status: criteria provided, single submitter. Criteria: GeneDx Variant Classification Process June 2021. Collection method: clinical testing. Allele origin: germline. Affected: yes.
Comment: Not observed at significant frequency in large population cohorts (gnomAD); In silico analysis supports that this missense variant does not alter protein structure/function; Has not been previously published as pathogenic or benign to our knowledge

Ambry Genetics
Classification: Uncertain significance. Last evaluated: 2022-12-28. Review status: criteria provided, single submitter. Criteria: Ambry Variant Classification Scheme 2023. Collection method: clinical testing. Allele origin: germline.

NM_020117.11(LARS1):c.2776G>A (p.Asp926Asn)

Gene: LARS1 (leucyl-tRNA synthetase 1; minus strand). Cytogenetic location: 5q32.
Variant type: single nucleotide variant.
Coding change: c.2776G>A on transcript NM_020117.11 (MANE Select); coding-DNA position 2776, G replaced by A.
Protein change: p.Asp926Asn; replaces aspartic acid 926 with asparagine.
Molecular consequence: missense variant.
Genome position (GRCh38, 1-based): chr5:146,128,776, C>T on the plus strand (G>A on the coding strand, the complement: LARS1 is on the minus strand). VCF-style: chr5-146128776-C-T. GRCh37 (hg19) VCF-style: chr5-145508339-C-T.
Other names: c.2638G>A, p.Asp880Asn (NM_001317964.2); c.2614G>A, p.Asp872Asn (NM_001317965.2); c.2695G>A, p.Asp899Asn (NM_016460.4); short protein forms D872N, D926N, D880N, D899N.
Identifiers: ClinVar variation 3117898 (VCV003117898.2), dbSNP rs746693564, ClinGen allele CA3489224.
Genomic context (GRCh38, chr5:146,128,776, plus strand): 5'-GTGGATAGTTCTTTGCCACATAGATGGTGCAATGTGAGGGCTTCTGCAGGGGTTGTTTGT[C>T]AGTCTTCTAGACGGTAAAAGAAAGGAAAAACATTCAATAGCTTTTATATAAACCAAAAAT-3'
Protein context (NP_064502.9, residues 916-936): YMMPAKGKKT[Asp926Asn]KQPLQKPSHC